The following is an entry in ClinVar:

NM_014780.5(CUL7):c.328A>G (p.Met110Val)

Gene: CUL7 (cullin 7; minus strand). Cytogenetic location: 6p21.1.
Variant type: single nucleotide variant.
Coding change: c.328A>G on transcript NM_014780.5 (MANE Select); coding-DNA position 328, A replaced by G.
Protein change: p.Met110Val; replaces methionine 110 with valine.
Molecular consequence: missense variant.
Genome position (GRCh38, 1-based): chr6:43,052,461, T>C on the plus strand (A>G on the coding strand, the complement: CUL7 is on the minus strand). VCF-style: chr6-43052461-T-C. GRCh37 (hg19) VCF-style: chr6-43020199-T-C.
Other names: c.328A>G, p.Met110Val (NM_001168370.2, NM_001374872.1, NM_001374873.1 and 1 more transcripts); short protein forms M110V.
Identifiers: ClinVar variation 1955881 (VCV001955881.5), dbSNP rs201098626, ClinGen allele CA364230153.

ClinVar aggregate classification (germline): Uncertain significance (1 of 4 stars; one submission).

Allele frequency attached by ClinVar (database versions not stated): gnomAD 0.00001; TOPMed 0.00001.

Submission:

Labcorp Genetics (formerly Invitae), Labcorp
Classification: Uncertain significance. Last evaluated: 2022-03-09. Review status: criteria provided, single submitter. Criteria: Invitae Variant Classification Sherloc (09022015). Collection method: clinical testing. Allele origin: germline.
Comment: In summary, the available evidence is currently insufficient to determine the role of this variant in disease. Therefore, it has been classified as a Variant of Uncertain Significance. Algorithms developed to predict the effect of missense changes on protein structure and function are either unavailable or do not agree on the potential impact of this missense change (SIFT: "Deleterious"; PolyPhen-2: "Probably Damaging"; Align-GVGD: "Class C0"). This variant has not been reported in the literature in individuals affected with CUL7-related conditions. The frequency data for this variant in the population databases is considered unreliable, as metrics indicate poor data quality at this position in the gnomAD database. This sequence change replaces methionine, which is neutral and non-polar, with valine, which is neutral and non-polar, at codon 110 of the CUL7 protein (p.Met110Val).